The following is an entry in ClinVar:

ClinVar aggregate classification (germline): Pathogenic (1 of 4 stars; one submission).

Conditions:
Tuberous sclerosis 2 (TSC2). Identifiers: Orphanet 805, MedGen C1860707, MONDO:0013199, OMIM 613254.

Submission:

Labcorp Genetics (formerly Invitae), Labcorp
Classification: Pathogenic for Tuberous sclerosis 2. Last evaluated: 2017-12-15. Review status: criteria provided, single submitter. Criteria: Invitae Variant Classification Sherloc (09022015). Collection method: clinical testing. Allele origin: germline.
Comment: For these reasons, this variant has been classified as Pathogenic. Loss-of-function variants in TSC2 are known to be pathogenic (PMID: 10205261, 17304050). This variant has not been reported in the literature in individuals with TSC2-related disease. This variant is not present in population databases (ExAC no frequency). This sequence change creates a premature translational stop signal (p.Glu159*) in the TSC2 gene. It is expected to result in an absent or disrupted protein product.

Literature cited by the submitters: PubMed 10205261; PubMed 17304050.

NM_000548.5(TSC2):c.475G>T (p.Glu159Ter)

Gene: TSC2 (TSC complex subunit 2; plus strand). Cytogenetic location: 16p13.3.
Variant type: single nucleotide variant.
Coding change: c.475G>T on transcript NM_000548.5 (MANE Select); coding-DNA position 475, G replaced by T.
Protein change: p.Glu159Ter; replaces glutamic acid 159 with a stop codon.
Molecular consequence: nonsense. On other transcripts: intron variant (1).
Genome position (GRCh38, 1-based): chr16:2,054,434, G>T. VCF-style: chr16-2054434-G-T. GRCh37 (hg19) VCF-style: chr16-2104435-G-T.
Other names: c.475G>T, p.Glu159Ter (NM_001077183.3, NM_001114382.3, NM_001363528.2 and 3 more transcripts); c.364G>T, p.Glu122Ter (NM_001318827.2); c.328G>T, p.Glu110Ter (NM_001318829.2); c.508G>T, p.Glu170Ter (NM_001318832.2); c.-1-1762G>T (NM_001318831.2); short protein forms E159*, E170*, E110*, E122*.
Identifiers: ClinVar variation 535913 (VCV000535913.6), dbSNP rs1555497714, ClinGen allele CA394308572.